The following is an entry in ClinVar:

NM_052832.4(SLC26A7):c.1026+1G>A

Gene: SLC26A7 (solute carrier family 26 member 7; plus strand). Cytogenetic location: 8q21.3.
Variant type: single nucleotide variant.
Coding change: c.1026+1G>A on transcript NM_052832.4 (MANE Select); the canonical splice donor site of the intron after coding-DNA position 1026, G replaced by A.
Molecular consequence: splice donor variant.
Genome position (GRCh38, 1-based): chr8:91,340,552, G>A. VCF-style: chr8-91340552-G-A. GRCh37 (hg19) VCF-style: chr8-92352780-G-A.
Other names: c.1026+1G>A (NM_001282356.2, NM_134266.2); c.123+1G>A (NM_001282357.2).
Identifiers: ClinVar variation 2138395 (VCV002138395.1), dbSNP rs753257049, ClinGen allele CA4805356.
Genomic context (GRCh38, chr8:91,340,552, plus strand): 5'-TCACTGGCTCTTGCTCAAGGATCTGCCAAAAAATTCAAATATTCAATTGATGACAACCAG[G>A]TGGAGTGTGCCCCCAGTCCCTCTCCACTCCAGTTGTATCATTGCACTGTGCACTCCCAGA-3'

ClinVar aggregate classification (germline): Likely pathogenic (1 of 4 stars; one submission).

Allele frequency attached by ClinVar (database versions not stated): ExAC 0.00001; gnomAD 0.00002.
gnomAD v4.1: 11 of 1,613,608 alleles (0.00068%); highest among the groups gnomAD compares: African/African-American, 0.0027%; no homozygotes.

Submission:

Labcorp Genetics (formerly Invitae), Labcorp
Classification: Likely pathogenic. Last evaluated: 2022-07-05. Review status: criteria provided, single submitter. Criteria: Invitae Variant Classification Sherloc (09022015). Collection method: clinical testing. Allele origin: germline.
Comment: This sequence change affects a donor splice site in intron 8 of the SLC26A7 gene. It is expected to disrupt RNA splicing. Variants that disrupt the donor or acceptor splice site typically lead to a loss of protein function (PMID: 16199547), and loss-of-function variants in SLC26A7 are known to be pathogenic (PMID: 30333321, 31372509). This variant is present in population databases (rs753257049, gnomAD 0.004%). This variant has not been reported in the literature in individuals affected with SLC26A7-related conditions. Algorithms developed to predict the effect of sequence changes on RNA splicing suggest that this variant may disrupt the consensus splice site. In summary, the currently available evidence indicates that the variant is pathogenic, but additional data are needed to prove that conclusively. Therefore, this variant has been classified as Likely Pathogenic.

Literature cited by the submitters: PubMed 16199547; PubMed 30333321; PubMed 31372509.